The following is an entry in ClinVar:

NM_001843.4(CNTN1):c.985+6T>C

Gene: CNTN1 (contactin 1; plus strand). Cytogenetic location: 12q12.
Variant type: single nucleotide variant.
Coding change: c.985+6T>C on transcript NM_001843.4 (MANE Select); 6 bases into the intron after coding-DNA position 985, T replaced by C.
Molecular consequence: intron variant.
Genome position (GRCh38, 1-based): chr12:40,933,884, T>C. VCF-style: chr12-40933884-T-C. GRCh37 (hg19) VCF-style: chr12-41327686-T-C.
Other names: c.985+6T>C (NM_001256063.2, NM_001256064.2); c.952+6T>C (NM_175038.2).
Identifiers: ClinVar variation 1346588 (VCV001346588.6), dbSNP rs202118617, ClinGen allele CA6516748.

ClinVar aggregate classification (germline): Uncertain significance (1 of 4 stars; one submission).

Conditions:
Compton-North congenital myopathy (CMYO12). Identifiers: Orphanet 210163, MedGen C2675527, MONDO:0012929, OMIM 612540.

Allele frequency attached by ClinVar (database versions not stated): gnomAD exomes below 0.00001 and 0.00001; TOPMed below 0.00001; gnomAD 0.00001; ExAC 0.00002; ESP Exome Variant Server 0.00008.
gnomAD v4.1: 12 of 1,603,758 alleles (0.00075%); highest among the groups gnomAD compares: African/African-American, 0.0027%; no homozygotes.

Submission:

Labcorp Genetics (formerly Invitae), Labcorp
Classification: Uncertain significance for Compton-North congenital myopathy. Last evaluated: 2020-10-30. Review status: criteria provided, single submitter. Criteria: Invitae Variant Classification Sherloc (09022015). Collection method: clinical testing. Allele origin: germline.
Comment: In summary, the available evidence is currently insufficient to determine the role of this variant in disease. Therefore, it has been classified as a Variant of Uncertain Significance. Nucleotide substitutions within the consensus splice site are a relatively common cause of aberrant splicing (PMID: 17576681, 9536098). Algorithms developed to predict the effect of sequence changes on RNA splicing suggest that this variant is not likely to affect RNA splicing, but this prediction has not been confirmed by published transcriptional studies. This variant has not been reported in the literature in individuals with CNTN1-related conditions. This variant is present in population databases (rs202118617, ExAC 0.01%). This sequence change falls in intron 9 of the CNTN1 gene. It does not directly change the encoded amino acid sequence of the CNTN1 protein. It affects a nucleotide within the consensus splice site of the intron.

Literature cited by the submitters: PubMed 17576681; PubMed 9536098.